The following is an entry in ClinVar:

NM_001386393.1(PANK2):c.651+3A>G

Gene: PANK2 (pantothenate kinase 2; plus strand). Cytogenetic location: 20p13.
Variant type: single nucleotide variant.
Coding change: c.651+3A>G on transcript NM_001386393.1 (MANE Select); 3 bases into the intron after coding-DNA position 651, A replaced by G.
Molecular consequence: intron variant. On other transcripts: synonymous variant (1).
Genome position (GRCh38, 1-based): chr20:3,908,281, A>G. VCF-style: chr20-3908281-A-G. GRCh37 (hg19) VCF-style: chr20-3888928-A-G.
Other names: c.984A>G, p.Val328= (NM_001324192.1); c.108+3A>G (NM_024960.6, NM_001324191.2, NM_153640.4); c.981+3A>G (NM_153638.4); c.-328+146A>G (NM_001324193.2).
Identifiers: ClinVar variation 429585 (VCV000429585.7), dbSNP rs1131691472, ClinGen allele CA645369748.

ClinVar aggregate classification (germline): Conflicting classifications of pathogenicity. Review status: criteria provided, conflicting classifications (1 of 4 stars). 2 submissions from 2 submitters: Likely pathogenic (1); Uncertain significance (1). Last evaluated 2023-08-23.

Conditions:
Pigmentary pallidal degeneration (NBIA1). Also called: Pantothenate Kinase-Associated Neurodegeneration; Neuroaxonal dystrophy, late infantile; Hallervorden-Spatz disease; PKAN NEUROAXONAL DYSTROPHY, JUVENILE-ONSET; HARP SYNDROME; Neurodegeneration with brain iron accumulation 1. Identifiers: Orphanet 157850, MedGen C0018523, MONDO:0009319, OMIM 234200.

Allele frequency attached by ClinVar (database versions not stated): TOPMed 0.00001.
gnomAD v4.1: 1 of 1,594,304 alleles (0.000063%); no homozygotes.

Submissions (2):

Labcorp Genetics (formerly Invitae), Labcorp
Classification: Uncertain significance for Pigmentary pallidal degeneration. Last evaluated: 2023-08-23. Review status: criteria provided, single submitter. Criteria: Invitae Variant Classification Sherloc (09022015). Collection method: clinical testing. Allele origin: germline.
Comment: Variants that disrupt the consensus splice site are a relatively common cause of aberrant splicing (PMID: 17576681, 9536098). Algorithms developed to predict the effect of sequence changes on RNA splicing suggest that this variant may disrupt the consensus splice site. In summary, the available evidence is currently insufficient to determine the role of this variant in disease. Therefore, it has been classified as a Variant of Uncertain Significance. ClinVar contains an entry for this variant (Variation ID: 429585). This variant is also known as IVS2+3A→G. This sequence change falls in intron 2 of the PANK2 gene. It does not directly change the encoded amino acid sequence of the PANK2 protein. It affects a nucleotide within the consensus splice site. This variant is not present in population databases (gnomAD no frequency). This variant has been observed in individuals with clinical features of neurodegeneration with brain iron accumulation and/or clinical features of pantothenate kinase-associated neurodegeneration (PMID: 12510040; Invitae).

GeneDx
Classification: Likely pathogenic. Last evaluated: 2015-10-15. Review status: criteria provided, single submitter. Criteria: GeneDx Variant Classification (06012015). Collection method: clinical testing. Allele origin: germline. Affected: yes.
Comment: The c.981+3A>G variant in the PANK2 gene has been reported previously in two individuals with early-onset, rapidly progressive (classic) pantothenate kinaseâ€“associated neurodegeneration (Hayflick et al., 2003). Splice predictor models are inconsistent in their predictions as to how c.981+3A>G impacts splicing. Xiong et al (2014) reported c.981+3A>G is predicted to induce a splicing change. However, in the absence of RNA/functional studies, the actual effect of this sequence change in this individual is unknown. The c.981+3A>G variant was not observed in approximately 6500 individuals of European and African American ancestry in the NHLBI Exome Sequencing Project, indicating it is not a common benign variant in these populations. Given the available evidence, the c.981+3A>G variant is a strong candidate for a pathogenic variant, however the possibility it may be a rare benign variant cannot be excluded.

Literature cited by the submitters: PubMed 17576681 (cited by Labcorp Genetics (formerly Invitae), Labcorp); PubMed 9536098 (cited by Labcorp Genetics (formerly Invitae), Labcorp); PubMed 12510040 (cited by Labcorp Genetics (formerly Invitae), Labcorp).